The following is an entry in ClinVar:

NM_170707.4(LMNA):c.11C>G (p.Pro4Arg)

Gene: LMNA (lamin A/C; plus strand). Cytogenetic location: 1q22.
Variant type: single nucleotide variant.
Coding change: c.11C>G on transcript NM_170707.4 (MANE Select); coding-DNA position 11, C replaced by G.
Protein change: p.Pro4Arg; replaces proline 4 with arginine.
Molecular consequence: missense variant.
Genome position (GRCh38, 1-based): chr1:156,114,929, C>G. VCF-style: chr1-156114929-C-G. GRCh37 (hg19) VCF-style: chr1-156084720-C-G.
Other names: c.11C>G, p.Pro4Arg (NM_001282625.2, NM_001282626.2, NM_005572.4 and 1 more transcripts); short protein forms P4R.
Identifiers: ClinVar variation 66795 (VCV000066795.9), dbSNP rs267607620, ClinGen allele CA016863.

ClinVar aggregate classification (germline): Pathogenic. Review status: criteria provided, single submitter (1 of 4 stars). 2 submissions from 2 submitters: Pathogenic (1). 1 of the submissions does not count toward it. Last evaluated 2018-07-18.

Conditions:
Charcot-Marie-Tooth disease type 2. Also called: Charcot-Marie-Tooth type 2. Identifiers: Orphanet 64746, MedGen C0270914, MONDO:0018993.

Submissions (2):

Labcorp Genetics (formerly Invitae), Labcorp
Classification: Pathogenic for Charcot-Marie-Tooth disease type 2. Last evaluated: 2018-07-18. Review status: criteria provided, single submitter. Criteria: Invitae Variant Classification Sherloc (09022015). Collection method: clinical testing. Allele origin: germline.
Comment: This sequence change replaces proline with arginine at codon 4 of the LMNA protein (p.Pro4Arg). The proline residue is highly conserved and there is a moderate physicochemical difference between proline and arginine. While this variant is not present in population databases, the frequency information is unreliable, as metrics indicate poor data quality at this position in the ExAC database. This variant has been observed to be de novo in individuals affected with atypical progeroid syndrome and to segregate with disease in affected families (PMID: 19875478, 24861648). ClinVar contains an entry for this variant (Variation ID: 66795). Algorithms developed to predict the effect of missense changes on protein structure and function (SIFT, PolyPhen-2, Align-GVGD) all suggest that this variant is likely to be disruptive, but these predictions have not been confirmed by published functional studies and their clinical significance is uncertain. For these reasons, this variant has been classified as Pathogenic.

Epithelial Biology;  Institute of Medical Biology, Singapore
No classification provided. Review status: no classification provided. Collection method: not provided. Allele origin: not provided. Not counted in ClinVar's aggregate classification.

Literature cited by the submitters: PubMed 19875478 (cited by Labcorp Genetics (formerly Invitae), Labcorp); PubMed 24861648 (cited by Labcorp Genetics (formerly Invitae), Labcorp).